The following is an entry in ClinVar:

ClinVar aggregate classification (germline): Uncertain significance (1 of 4 stars; one submission).

Conditions:
Familial cold autoinflammatory syndrome 3 (FCAS3). Also called: ANTIBODY DEFICIENCY AND IMMUNE DYSREGULATION, PLCG2-ASSOCIATED; FAMILIAL ATYPICAL COLD URTICARIA. Identifiers: Orphanet 300359, MedGen C3280914, MONDO:0013766, OMIM 614468.

Submission:

Labcorp Genetics (formerly Invitae), Labcorp
Classification: Uncertain significance for Familial cold autoinflammatory syndrome 3. Last evaluated: 2024-11-15. Review status: criteria provided, single submitter. Criteria: Invitae Variant Classification Sherloc (09022015). Collection method: clinical testing. Allele origin: germline.
Comment: This sequence change replaces aspartic acid, which is acidic and polar, with asparagine, which is neutral and polar, at codon 118 of the PLCG2 protein (p.Asp118Asn). This variant is not present in population databases (gnomAD no frequency). This variant has not been reported in the literature in individuals affected with PLCG2-related conditions. An algorithm developed to predict the effect of missense changes on protein structure and function (PolyPhen-2) suggests that this variant is likely to be disruptive. In summary, the available evidence is currently insufficient to determine the role of this variant in disease. Therefore, it has been classified as a Variant of Uncertain Significance.

NM_002661.5(PLCG2):c.352G>A (p.Asp118Asn)

Gene: PLCG2 (phospholipase C gamma 2; plus strand). Cytogenetic location: 16q23.3.
Variant type: single nucleotide variant.
Coding change: c.352G>A on transcript NM_002661.5 (MANE Select); coding-DNA position 352, G replaced by A.
Protein change: p.Asp118Asn; replaces aspartic acid 118 with asparagine.
Molecular consequence: missense variant.
Genome position (GRCh38, 1-based): chr16:81,858,277, G>A. VCF-style: chr16-81858277-G-A. GRCh37 (hg19) VCF-style: chr16-81891882-G-A.
Other names: c.352G>A, p.Asp118Asn (NM_001425749.1, NM_001425750.1, NM_001425751.1); short protein forms D118N.
Identifiers: ClinVar variation 3730648 (VCV003730648.2).